The following is an entry in ClinVar:

NM_001232.4(CASQ2):c.737+2T>A

Gene: CASQ2 (calsequestrin 2; minus strand). Cytogenetic location: 1p13.1.
Variant type: single nucleotide variant.
Coding change: c.737+2T>A on transcript NM_001232.4 (MANE Select); the canonical splice donor site of the intron after coding-DNA position 737, T replaced by A.
Molecular consequence: splice donor variant.
Genome position (GRCh38, 1-based): chr1:115,726,990, A>T on the plus strand (T>A on the coding strand, the complement: CASQ2 is on the minus strand). VCF-style: chr1-115726990-A-T. GRCh37 (hg19) VCF-style: chr1-116269611-A-T.
Identifiers: ClinVar variation 1033372 (VCV001033372.2), dbSNP rs1366771173, ClinGen allele CA341768606.
Genomic context (GRCh38, chr1:115,726,990, plus strand): 5'-GAGAGGCTCCTCTCCATTCCCCAGACCCCAGGCCCCCAGCCCCCACATGCCATCTCAGGC[A>T]CCTTTGGTGTTCCTTCACAAACTCCACCAGCTCCTCTTCTGTGTAAGGTTTGTTGGGGAT-3'

ClinVar aggregate classification (germline): Pathogenic/Likely pathogenic. Review status: criteria provided, multiple submitters, no conflicts (2 of 4 stars). 2 submissions from 2 submitters: Pathogenic (1); Likely pathogenic (1). Last evaluated 2023-08-17.

Conditions:
CASQ2-related disorder. Also called: CASQ2-related condition.
Catecholaminergic polymorphic ventricular tachycardia 2. Also called: CASQ2-Related Catecholaminergic Polymorphic Ventricular Tachycardia; VENTRICULAR TACHYCARDIA, STRESS-INDUCED POLYMORPHIC 2. Identifiers: Orphanet 3286, MedGen C2677794, MONDO:0012762, OMIM 611938.

Allele frequency attached by ClinVar (database versions not stated): gnomAD exomes below 0.00001.
gnomAD v4.1: 2 of 1,446,568 alleles (0.00014%); highest among the groups gnomAD compares: Non-Finnish European, 0.00019%; no homozygotes.

Submissions (2):

Blueprint Genetics
Classification: Likely pathogenic for CASQ2-related disorders. Last evaluated: 2023-08-17. Review status: criteria provided, single submitter. Criteria: ACMG Guidelines, 2015. Collection method: clinical testing. Allele origin: germline. Affected: yes. Observed: 5 variant alleles.

Baylor Genetics
Classification: Pathogenic for Catecholaminergic polymorphic ventricular tachycardia 2. Last evaluated: 2018-04-20. Review status: criteria provided, single submitter. Criteria: ACMG Guidelines, 2015. Collection method: clinical testing. Allele origin: maternal. Affected: yes.
Comment: This variant was determined to be pathogenic according to ACMG Guidelines, 2015 [PMID:25741868].